The following is an entry in ClinVar:

ClinVar aggregate classification (germline): Uncertain significance (1 of 4 stars; one submission).

Conditions:
Hereditary spastic paraplegia 28. Also called: Spastic paraplegia 28, autosomal recessive. Identifiers: Orphanet 101008, MedGen C1836295, MONDO:0012256, OMIM 609340.

gnomAD v4.1: 1 of 1,613,674 alleles (0.000062%); highest among the groups gnomAD compares: Non-Finnish European, 0.000085%; no homozygotes.

Submission:

Labcorp Genetics (formerly Invitae), Labcorp
Classification: Uncertain significance for Hereditary spastic paraplegia 28. Last evaluated: 2022-05-18. Review status: criteria provided, single submitter. Criteria: Invitae Variant Classification Sherloc (09022015). Collection method: clinical testing. Allele origin: germline.
Comment: In summary, the available evidence is currently insufficient to determine the role of this variant in disease. Therefore, it has been classified as a Variant of Uncertain Significance. Algorithms developed to predict the effect of missense changes on protein structure and function are either unavailable or do not agree on the potential impact of this missense change (SIFT: "Tolerated"; PolyPhen-2: "Probably Damaging"; Align-GVGD: "Class C0"). This variant has not been reported in the literature in individuals affected with DDHD1-related conditions. This variant is not present in population databases (gnomAD no frequency). This sequence change replaces glutamic acid, which is acidic and polar, with aspartic acid, which is acidic and polar, at codon 162 of the DDHD1 protein (p.Glu162Asp).

NM_001160148.2(DDHD1):c.486G>C (p.Glu162Asp)

Gene: DDHD1 (DDHD domain containing 1; minus strand). Cytogenetic location: 14q22.1.
Variant type: single nucleotide variant.
Coding change: c.486G>C on transcript NM_001160148.2 (MANE Select); coding-DNA position 486, G replaced by C.
Protein change: p.Glu162Asp; replaces glutamic acid 162 with aspartic acid.
Molecular consequence: missense variant.
Genome position (GRCh38, 1-based): chr14:53,152,613, C>G on the plus strand (G>C on the coding strand, the complement: DDHD1 is on the minus strand). VCF-style: chr14-53152613-C-G. GRCh37 (hg19) VCF-style: chr14-53619331-C-G.
Other names: c.486G>C, p.Glu162Asp (NM_001160147.2, NM_030637.3); short protein forms E162D.
Identifiers: ClinVar variation 1996168 (VCV001996168.4), dbSNP rs2503568940, ClinGen allele CA389780633.